The following is an entry in ClinVar:

ClinVar aggregate classification (germline): Likely pathogenic (1 of 4 stars; one submission).

Conditions:
DICER1-related tumor predisposition. Also called: DICER1-related pleuropulmonary blastoma cancer predisposition syndrome; DICER1 syndrome. Identifiers: Orphanet 284343, MedGen C3839822, MONDO:0100216.

Submission:

Labcorp Genetics (formerly Invitae), Labcorp
Classification: Likely pathogenic for DICER1-related tumor predisposition. Last evaluated: 2024-11-18. Review status: criteria provided, single submitter. Criteria: Invitae Variant Classification Sherloc (09022015). Collection method: clinical testing. Allele origin: germline.
Comment: This sequence change affects a donor splice site in intron 14 of the DICER1 gene. It is expected to disrupt RNA splicing. Variants that disrupt the donor or acceptor splice site typically lead to a loss of protein function (PMID: 16199547), and loss-of-function variants in DICER1 are known to be pathogenic (PMID: 19556464, 21266384). This variant is not present in population databases (gnomAD no frequency). This variant has not been reported in the literature in individuals affected with DICER1-related conditions. ClinVar contains an entry for this variant (Variation ID: 1066927). Algorithms developed to predict the effect of sequence changes on RNA splicing suggest that this variant may disrupt the consensus splice site. In summary, the currently available evidence indicates that the variant is pathogenic, but additional data are needed to prove that conclusively. Therefore, this variant has been classified as Likely Pathogenic.

Literature cited by the submitters: PubMed 16199547; PubMed 19556464; PubMed 21266384.

NM_177438.3(DICER1):c.2256+2T>C

Gene: DICER1 (dicer 1, ribonuclease III; minus strand). Cytogenetic location: 14q32.13.
Variant type: single nucleotide variant.
Coding change: c.2256+2T>C on transcript NM_177438.3 (MANE Select); the canonical splice donor site of the intron after coding-DNA position 2256, T replaced by C.
Molecular consequence: splice donor variant. On other transcripts: missense variant (1).
Genome position (GRCh38, 1-based): chr14:95,111,315, A>G on the plus strand (T>C on the coding strand, the complement: DICER1 is on the minus strand). VCF-style: chr14-95111315-A-G. GRCh37 (hg19) VCF-style: chr14-95577652-A-G.
Other names: c.1853T>C, p.Val618Ala (NM_001395698.1); c.2256+2T>C (NM_001291628.2, NM_030621.4, NM_001395677.1 and 12 more transcripts); c.1851+2T>C (NM_001395690.1, NM_001395687.1, NM_001395689.1 and 2 more transcripts); c.1974+2T>C (NM_001395686.1); c.1689+2T>C (NM_001395691.1); c.573+2T>C (NM_001395697.1); short protein forms V618A.
Identifiers: ClinVar variation 1066927 (VCV001066927.8), dbSNP rs2140066644, ClinGen allele CA390882456.